The following is an entry in ClinVar:

NM_001036.6(RYR3):c.674G>A (p.Arg225His)

Gene: RYR3 (ryanodine receptor 3; plus strand). Cytogenetic location: 15q14.
Variant type: single nucleotide variant.
Coding change: c.674G>A on transcript NM_001036.6 (MANE Select); coding-DNA position 674, G replaced by A.
Protein change: p.Arg225His; replaces arginine 225 with histidine.
Molecular consequence: missense variant.
Genome position (GRCh38, 1-based): chr15:33,543,649, G>A. VCF-style: chr15-33543649-G-A. GRCh37 (hg19) VCF-style: chr15-33835850-G-A.
Other names: c.674G>A (NM_001036.3); c.674G>A, p.Arg225His (NM_001243996.4); short protein forms R225H.
Identifiers: ClinVar variation 862768 (VCV000862768.10), dbSNP rs370938489, ClinGen allele CA7457895.

ClinVar aggregate classification (germline): Uncertain significance. Review status: criteria provided, multiple submitters, no conflicts (2 of 4 stars). 2 submissions from 2 submitters: Uncertain significance (2). Last evaluated 2025-04-29.

Conditions:
Epileptic encephalopathy. Identifiers: MedGen C0543888, HP:0200134.

Allele frequency attached by ClinVar (database versions not stated): ExAC 0.00009; gnomAD 0.00011 and 0.00013; ESP Exome Variant Server 0.00008; TOPMed 0.00006; gnomAD exomes 0.00011 and 0.00013.
gnomAD v4.1: 207 of 1,611,718 alleles (0.013%); highest among the groups gnomAD compares: South Asian, 0.016%; no homozygotes.

Submissions (2):

Ambry Genetics
Classification: Uncertain significance. Last evaluated: 2025-04-29. Review status: criteria provided, single submitter. Criteria: Ambry Variant Classification Scheme 2023. Collection method: clinical testing. Allele origin: germline.

Labcorp Genetics (formerly Invitae), Labcorp
Classification: Uncertain significance for Epileptic encephalopathy. Last evaluated: 2024-10-15. Review status: criteria provided, single submitter. Criteria: Invitae Variant Classification Sherloc (09022015). Collection method: clinical testing. Allele origin: germline.
Comment: This sequence change replaces arginine, which is basic and polar, with histidine, which is basic and polar, at codon 225 of the RYR3 protein (p.Arg225His). This variant is present in population databases (rs370938489, gnomAD 0.02%). This variant has not been reported in the literature in individuals affected with RYR3-related conditions. ClinVar contains an entry for this variant (Variation ID: 862768). An algorithm developed to predict the effect of missense changes on protein structure and function (PolyPhen-2) suggests that this variant is likely to be disruptive. In summary, the available evidence is currently insufficient to determine the role of this variant in disease. Therefore, it has been classified as a Variant of Uncertain Significance.